The following is an entry in ClinVar:

ClinVar aggregate classification (germline): Uncertain significance (1 of 4 stars; one submission).

Conditions:
Hereditary cancer-predisposing syndrome. Also called: Neoplastic Syndromes, Hereditary; Hereditary Cancer Syndrome; Tumor predisposition; Hereditary neoplastic syndrome. Identifiers: Orphanet 140162, MedGen C0027672, MeSH D009386, MONDO:0015356.

Submission:

Ambry Genetics
Classification: Uncertain significance for Hereditary cancer-predisposing syndrome. Last evaluated: 2025-02-13. Review status: criteria provided, single submitter. Criteria: Ambry Variant Classification Scheme 2023. Collection method: clinical testing. Allele origin: germline.
Comment: The p.D577V variant (also known as c.1730A>T), located in coding exon 14 of the POT1 gene, results from an A to T substitution at nucleotide position 1730. The aspartic acid at codon 577 is replaced by valine, an amino acid with highly dissimilar properties. This amino acid position is conserved. In addition, this alteration is predicted to be tolerated by in silico analysis. Based on the available evidence, the clinical significance of this variant remains unclear.

NM_015450.3(POT1):c.1730A>T (p.Asp577Val)

Gene: POT1 (protection of telomeres 1; minus strand). Cytogenetic location: 7q31.33.
Variant type: single nucleotide variant.
Coding change: c.1730A>T on transcript NM_015450.3 (MANE Select); coding-DNA position 1730, A replaced by T.
Protein change: p.Asp577Val; replaces aspartic acid 577 with valine.
Molecular consequence: missense variant. On other transcripts: non-coding transcript variant (3).
Genome position (GRCh38, 1-based): chr7:124,825,314, T>A on the plus strand (A>T on the coding strand, the complement: POT1 is on the minus strand). VCF-style: chr7-124825314-T-A. GRCh37 (hg19) VCF-style: chr7-124465368-T-A.
Other names: c.1337A>T, p.Asp446Val (NM_001042594.2); short protein forms D446V, D577V.
Identifiers: ClinVar variation 3782006 (VCV003782006.1).